The following is an entry in ClinVar:

NC_000014.8:g.(?_67147805)_(67391029_?)del

Gene: GPHN (gephyrin; plus strand). Cytogenetic location: 14q23.3.
Variant type: Deletion.
Identifiers: ClinVar variation 2426606 (VCV002426606.4).

ClinVar aggregate classification (germline): Pathogenic (1 of 4 stars; one submission).

Conditions:
Sulfite oxidase deficiency due to molybdenum cofactor deficiency type C. Also called: Molybdenum cofactor deficiency, complementation group C; Molybdenum cofactor deficiency C. Identifiers: Orphanet 308400, Orphanet 833, MedGen C1854990, MONDO:0014212, OMIM 615501.

Submission:

Labcorp Genetics (formerly Invitae), Labcorp
Classification: Pathogenic for Sulfite oxidase deficiency due to molybdenum cofactor deficiency type C. Last evaluated: 2022-10-21. Review status: criteria provided, single submitter. Criteria: Invitae Variant Classification Sherloc (09022015). Collection method: clinical testing. Allele origin: germline.
Comment: For these reasons, this variant has been classified as Pathogenic. This variant has not been reported in the literature in individuals affected with GPHN-related conditions. This variant is a gross deletion of the genomic region encompassing exon(s) 2-8 of the GPHN gene. This deletion is out-of-frame, and is expected to create a premature termination codon and result in an absent or disrupted protein product. Loss-of-function variants in GPHN are known to be pathogenic (PMID: 11095995, 23184456, 23393157).

Literature cited by the submitters: PubMed 11095995; PubMed 23184456; PubMed 23393157.